The following is an entry in ClinVar:

ClinVar aggregate classification (germline): Uncertain significance (1 of 4 stars; one submission).

Conditions:
Hereditary cancer-predisposing syndrome. Also called: Tumor predisposition; Neoplastic Syndromes, Hereditary; Hereditary neoplastic syndrome; Hereditary Cancer Syndrome. Identifiers: Orphanet 140162, MedGen C0027672, MeSH D009386, MONDO:0015356.

Submission:

Ambry Genetics
Classification: Uncertain significance for Hereditary cancer-predisposing syndrome. Last evaluated: 2025-08-27. Review status: criteria provided, single submitter. Criteria: Ambry Variant Classification Scheme 2023. Collection method: clinical testing. Allele origin: germline.
Comment: The p.K361T variant (also known as c.1082A>C), located in coding exon 12 of the MUTYH gene, results from an A to C substitution at nucleotide position 1082. The lysine at codon 361 is replaced by threonine, an amino acid with similar properties. This amino acid position is conserved. In addition, the in silico prediction for this alteration is inconclusive. Based on the available evidence, the clinical significance of this variant remains unclear.

NM_001048174.2(MUTYH):c.998A>C (p.Lys333Thr)

Gene: MUTYH (mutY DNA glycosylase; minus strand). Cytogenetic location: 1p34.1.
Variant type: single nucleotide variant.
Coding change: c.998A>C on transcript NM_001048174.2 (MANE Select); coding-DNA position 998, A replaced by C.
Protein change: p.Lys333Thr; replaces lysine 333 with threonine.
Molecular consequence: missense variant. On other transcripts: non-coding transcript variant (7).
Genome position (GRCh38, 1-based): chr1:45,331,765, T>G on the plus strand (A>C on the coding strand, the complement: MUTYH is on the minus strand). VCF-style: chr1-45331765-T-G. GRCh37 (hg19) VCF-style: chr1-45797437-T-G.
Other names: c.998A>C, p.Lys333Thr (NM_001407089.1, NM_001048173.2, NM_001293195.2 and 6 more transcripts); c.722A>C, p.Lys241Thr (NM_001407091.1, NM_001293192.2, NM_001293196.2); c.1073A>C, p.Lys358Thr (NM_012222.3); c.1001A>C, p.Lys334Thr (NM_001048172.2, NM_001407078.1, NM_001407086.1 and 1 more transcripts); c.1082A>C, p.Lys361Thr (NM_001128425.2); c.1043A>C, p.Lys348Thr (NM_001293190.2); c.1031A>C, p.Lys344Thr (NM_001293191.2, NM_001407069.1, NM_001407077.1); c.959A>C, p.Lys320Thr (NM_001407079.1); and 5 more; short protein forms K305T, K333T, K348T, K358T, K241T, K218T, K320T, K334T.
Identifiers: ClinVar variation 4112990 (VCV004112990.1).
Genomic context (GRCh38, chr1:45,331,765, plus strand): 5'-CCAGGCTGTTCCAGAACACAGGTGGCAGAGCTCTCCTCCCTGGGGGGCTTGCGGCTGGCC[T>G]TTCTGGGGAAGTTGACCACTCCCAGGGTCTGGTCCCAGGGCTCCGAGGGAGGCAGGCACA-3'
Protein context (NP_001041639.1, residues 323-343): QTLGVVNFPR[Lys333Thr]ASRKPPREES